The following is an entry in ClinVar:

NM_000558.5(HBA1):c.137_248del (p.His46fs)

Genes: HBA1 (hemoglobin subunit alpha 1; plus strand), LOC106804613 (hemoglobin subunit alpha 1 recombination region; plus strand). Cytogenetic location: 16p13.3.
Variant type: Deletion.
Coding change: c.137_248del on transcript NM_000558.5 (MANE Select); coding-DNA positions 137 to 248, 112 bases deleted.
Protein change: p.His46fs; shifts the reading frame from histidine 46.
Molecular consequence: frameshift variant.
Genome position (GRCh38, 1-based): chr16:176,970-177,081, 112 bases deleted. GRCh37 (hg19): chr16:226,969-227,080.
Other names: short protein forms H46fs.
Identifiers: ClinVar variation 4814373 (VCV004814373.1).

ClinVar aggregate classification (germline): Likely pathogenic (1 of 4 stars; one submission).

Conditions:
alpha Thalassemia. Also called: Alpha thalassemia spectrum. Identifiers: Orphanet 846, MedGen C0002312, MONDO:0011399, OMIM 604131.

Submission:

Natera, Inc.
Classification: Likely pathogenic for Alpha thalassemia. Last evaluated: 2025-08-17. Review status: criteria provided, single submitter. Criteria: Natera Variant Classification Schema (03/2026). Collection method: clinical testing. Allele origin: germline.
Comment: The c.137_248del variant in HBA1 is a frameshift variant predicted to shift the reading frame beginning at codon 46 and leads to a stop codon 2 codons downstream. This variant is expected to result in nonsense mediated decay, truncation, or a dysfunctional protein product. This variant is rare in the general population with a frequency below the threshold expected for the associated phenotype(s). Given the available evidence, this variant is classified as Likely Pathogenic.